The following is an entry in ClinVar:

NM_017752.3(TBC1D8B):c.3187G>A (p.Glu1063Lys)

Gene: TBC1D8B (TBC1 domain family member 8B; plus strand). Cytogenetic location: Xq22.3.
Variant type: single nucleotide variant.
Coding change: c.3187G>A on transcript NM_017752.3 (MANE Select); coding-DNA position 3187, G replaced by A.
Protein change: p.Glu1063Lys; replaces glutamic acid 1063 with lysine.
Molecular consequence: missense variant.
Genome position (GRCh38, 1-based): chrX:106,873,789, G>A. VCF-style: chrX-106873789-G-A. GRCh37 (hg19) VCF-style: chrX-106117019-G-A.
Other names: c.3187G>A (NM_017752.2); short protein forms E1063K.
Identifiers: ClinVar variation 2082904 (VCV002082904.9), dbSNP rs143560463, ClinGen allele CA10483510.

ClinVar aggregate classification (germline): Conflicting classifications of pathogenicity. Review status: criteria provided, conflicting classifications (1 of 4 stars). 4 submissions from 4 submitters: Uncertain significance (1); Likely benign (2). 1 of the submissions does not count toward it. Last evaluated 2025-09-29.

Conditions:
TBC1D8B-related disorder. Also called: TBC1D8B-related condition.

Allele frequency attached by ClinVar (database versions not stated): ESP Exome Variant Server 0.00019; 1000 Genomes Project 0.00026; 1000 Genomes Project 30x 0.00042; ExAC 0.00050; TOPMed 0.00057; gnomAD 0.00068; gnomAD exomes 0.00088.
gnomAD v4.1: 1,026 of 1,210,358 alleles (0.085%); highest among the groups gnomAD compares: Non-Finnish European, 0.11%; 1 homozygote.

Submissions (4):

Labcorp Genetics (formerly Invitae), Labcorp
Classification: Likely benign. Last evaluated: 2025-09-29. Review status: criteria provided, single submitter. Criteria: Invitae Variant Classification Sherloc (09022015). Collection method: clinical testing. Allele origin: germline.

Blueprint Genetics
Classification: Likely benign. Last evaluated: 2024-11-22. Review status: criteria provided, single submitter. Criteria: ACMG Guidelines, 2015. Collection method: clinical testing. Allele origin: germline.

Ambry Genetics
Classification: Uncertain significance. Last evaluated: 2024-10-06. Review status: criteria provided, single submitter. Criteria: Ambry Variant Classification Scheme 2023. Collection method: clinical testing. Allele origin: germline.

PreventionGenetics, part of Exact Sciences
Classification: Likely benign for TBC1D8B-related condition. Last evaluated: 2020-06-05. Review status: no assertion criteria provided. Collection method: clinical testing. Allele origin: germline. Not counted in ClinVar's aggregate classification.
Comment: This variant is classified as likely benign based on ACMG/AMP sequence variant interpretation guidelines (Richards et al. 2015 PMID: 25741868, with internal and published modifications).